The following is an entry in ClinVar:

ClinVar aggregate classification (germline): Pathogenic (1 of 4 stars; one submission).

Conditions:
Primary open angle glaucoma (POAG). Also called: OPTN-related open angle glaucoma. Identifiers: MedGen C0339573, MONDO:0100553, OMIM 137760.
Amyotrophic lateral sclerosis type 12 (ALS12). Also called: AMYOTROPHIC LATERAL SCLEROSIS 12 WITH OR WITHOUT FRONTOTEMPORAL DEMENTIA. Identifiers: Orphanet 803, MedGen C3150692, MONDO:0013264, OMIM 613435.
Glaucoma 1, open angle, E. Identifiers: MedGen C1842026, MONDO:0007665.

Allele frequency attached by ClinVar (database versions not stated): gnomAD exomes below 0.00001.

Submission:

Labcorp Genetics (formerly Invitae), Labcorp
Classification: Pathogenic for Primary open angle glaucoma; Glaucoma 1, open angle, E; Amyotrophic lateral sclerosis type 12. Last evaluated: 2025-12-08. Review status: criteria provided, single submitter. Criteria: Invitae Variant Classification Sherloc (09022015). Collection method: clinical testing. Allele origin: germline.
Comment: This sequence change creates a premature translational stop signal (p.Asp445Glufs*9) in the OPTN gene. It is expected to result in an absent or disrupted protein product. Loss-of-function variants in OPTN are known to be pathogenic (PMID: 20428114). This variant is not present in population databases (gnomAD no frequency). This variant has not been reported in the literature in individuals affected with OPTN-related conditions. ClinVar contains an entry for this variant (Variation ID: 2928942). For these reasons, this variant has been classified as Pathogenic.

Literature cited by the submitters: PubMed 20428114.

NM_001008212.2(OPTN):c.1318_1334dup (p.Asp445fs)

Gene: OPTN (optineurin; plus strand). Cytogenetic location: 10p13.
Variant type: Duplication.
Coding change: c.1318_1334dup on transcript NM_001008212.2 (MANE Select); coding-DNA positions 1318 to 1334, 17 bases duplicated (AAACAGCTGCAAATGGA).
Protein change: p.Asp445fs; shifts the reading frame from aspartic acid 445.
Molecular consequence: frameshift variant.
Genome position (GRCh38, 1-based): chr10:13,127,820-13,127,836, AAACAGCTGCAAATGGA duplicated. VCF-style (leftmost placement, unchanged base first): chr10-13127819-C-CAAACAGCTGCAAATGGA. GRCh37 (hg19) VCF-style: chr10-13169819-C-CAAACAGCTGCAAATGGA.
Other names: c.1318_1334dup, p.Asp445fs (NM_001008211.1, NM_001008213.1, NM_021980.4); short protein forms D445fs.
Identifiers: ClinVar variation 2928942 (VCV002928942.3), dbSNP rs2539070896, ClinGen allele CA2608268552.